The following is an entry in ClinVar:

NM_001374736.1(DST):c.14057G>A (p.Trp4686Ter)

Gene: DST (dystonin; minus strand). Cytogenetic location: 6p12.1.
Variant type: single nucleotide variant.
Coding change: c.14057G>A on transcript NM_001374736.1 (MANE Select); coding-DNA position 14057, G replaced by A.
Protein change: p.Trp4686Ter; replaces tryptophan 4686 with a stop codon.
Molecular consequence: nonsense.
Genome position (GRCh38, 1-based): chr6:56,562,149, C>T on the plus strand (G>A on the coding strand, the complement: DST is on the minus strand). VCF-style: chr6-56562149-C-T. GRCh37 (hg19) VCF-style: chr6-56426947-C-T.
Other names: c.7700G>A, p.Trp2567Ter (NM_001144769.5); c.7286G>A, p.Trp2429Ter (NM_001144770.2); c.14057G>A, p.Trp4686Ter (NM_001374722.1); c.13424G>A, p.Trp4475Ter (NM_001374729.1); c.7166G>A, p.Trp2389Ter (NM_001374730.1, NM_183380.4); c.14084G>A, p.Trp4695Ter (NM_001374734.1); c.6188G>A, p.Trp2063Ter (NM_015548.5); short protein forms W2063*, W2389*, W2429*, W4475*, W4686*, W4695*, W2567*.
Identifiers: ClinVar variation 972275 (VCV000972275.8), dbSNP rs2097544341, ClinGen allele CA364523193.
Genomic context (GRCh38, chr6:56,562,149, plus strand): 5'-AAAAACATCAAATTACATTAATCAGTAACAAATTAAAATTAATACTCACCTTTATTTGCC[C>T]AAAATTCCTCAGTATTTGTGGCTGTTCCTTCACCATTTAATACTGCTCCACCTGCAAAAA-3'

ClinVar aggregate classification (germline): Pathogenic (1 of 4 stars; one submission).

Conditions:
Epidermolysis bullosa simplex 3, localized or generalized intermediate, with BP230 deficiency (EBS3). Also called: Epidermolysis bullosa simplex due to BP230 deficiency; Epidermolysis bullosa simplex, autosomal recessive 2. Identifiers: Orphanet 412181, MedGen C3809470, MONDO:0014180, OMIM 615425.
Hereditary sensory and autonomic neuropathy type 6. Also called: Neuropathy, hereditary sensory and autonomic, type VI; HSAN VI. Identifiers: Orphanet 314381, MedGen C3539003, MONDO:0013839, OMIM 614653.

Submission:

Labcorp Genetics (formerly Invitae), Labcorp
Classification: Pathogenic for Epidermolysis bullosa simplex 3, localized or generalized intermediate, with BP230 deficiency; Hereditary sensory and autonomic neuropathy type 6. Last evaluated: 2020-03-05. Review status: criteria provided, single submitter. Criteria: Invitae Variant Classification Sherloc (09022015). Collection method: clinical testing. Allele origin: germline.
Comment: For these reasons, this variant has been classified as Pathogenic. This sequence change creates a premature translational stop signal (p.Trp2063*) in the DST gene. It is expected to result in an absent or disrupted protein product. The DST gene has multiple clinically relevant transcripts. The p.Trp2063* variant occurs in alternate transcript NM_015548.4, which corresponds to c.*53368G>A in NM_001723.5, the primary transcript listed in the Methods. This variant is not present in population databases (ExAC no frequency). This variant has not been reported in the literature in individuals with DST-related conditions. Loss-of-function variants in DST are known to be pathogenic (PMID: 25059916).

Literature cited by the submitters: PubMed 25059916.